The following is an entry in ClinVar:

ClinVar aggregate classification (germline): Uncertain significance (1 of 4 stars; one submission).

Conditions:
Fanconi anemia (FA). Also called: Fanconi's anemia. Identifiers: Orphanet 84, MedGen C0015625, MeSH D005199, MONDO:0019391.

gnomAD v4.1: 3 of 1,614,220 alleles (0.00019%); highest among the groups gnomAD compares: East Asian, 0.0045%; no homozygotes.

Submission:

Labcorp Genetics (formerly Invitae), Labcorp
Classification: Uncertain significance for Fanconi anemia. Last evaluated: 2022-06-02. Review status: criteria provided, single submitter. Criteria: Invitae Variant Classification Sherloc (09022015). Collection method: clinical testing. Allele origin: germline.
Comment: Algorithms developed to predict the effect of missense changes on protein structure and function output the following: SIFT: "Deleterious"; PolyPhen-2: "Benign"; Align-GVGD: "Class C0". The alanine amino acid residue is found in multiple mammalian species, which suggests that this missense change does not adversely affect protein function. This sequence change replaces proline, which is neutral and non-polar, with alanine, which is neutral and non-polar, at codon 189 of the SLX4 protein (p.Pro189Ala). This variant is present in population databases (no rsID available, gnomAD no frequency). This variant has not been reported in the literature in individuals affected with SLX4-related conditions. ClinVar contains an entry for this variant (Variation ID: 407930). In summary, the available evidence is currently insufficient to determine the role of this variant in disease. Therefore, it has been classified as a Variant of Uncertain Significance.

NM_032444.4(SLX4):c.565C>G (p.Pro189Ala)

Gene: SLX4 (SLX4 structure-specific endonuclease subunit; minus strand). Cytogenetic location: 16p13.3.
Variant type: single nucleotide variant.
Coding change: c.565C>G on transcript NM_032444.4 (MANE Select); coding-DNA position 565, C replaced by G.
Protein change: p.Pro189Ala; replaces proline 189 with alanine.
Molecular consequence: missense variant.
Genome position (GRCh38, 1-based): chr16:3,606,669, G>C on the plus strand (C>G on the coding strand, the complement: SLX4 is on the minus strand). VCF-style: chr16-3606669-G-C. GRCh37 (hg19) VCF-style: chr16-3656670-G-C.
Other names: c.565C>G (LRG_503t1); short protein forms P189A.
Identifiers: ClinVar variation 407930 (VCV000407930.8), dbSNP rs757069991, ClinGen allele CA16614938.